The following is an entry in ClinVar:

NM_002547.3(OPHN1):c.234T>G (p.Asp78Glu)

Gene: OPHN1 (oligophrenin 1; minus strand). Cytogenetic location: Xq12.
Variant type: single nucleotide variant.
Coding change: c.234T>G on transcript NM_002547.3 (MANE Select); coding-DNA position 234, T replaced by G.
Protein change: p.Asp78Glu; replaces aspartic acid 78 with glutamic acid.
Molecular consequence: missense variant.
Genome position (GRCh38, 1-based): chrX:68,299,017, A>C on the plus strand (T>G on the coding strand, the complement: OPHN1 is on the minus strand). VCF-style: chrX-68299017-A-C. GRCh37 (hg19) VCF-style: chrX-67518859-A-C.
Other names: short protein forms D78E.
Identifiers: ClinVar variation 2701848 (VCV002701848.3), dbSNP rs1230010238, ClinGen allele CA413432447.

ClinVar aggregate classification (germline): Uncertain significance (1 of 4 stars; one submission).

Submission:

Labcorp Genetics (formerly Invitae), Labcorp
Classification: Uncertain significance. Last evaluated: 2024-10-23. Review status: criteria provided, single submitter. Criteria: Invitae Variant Classification Sherloc (09022015). Collection method: clinical testing. Allele origin: germline.
Comment: This sequence change replaces aspartic acid, which is acidic and polar, with glutamic acid, which is acidic and polar, at codon 78 of the OPHN1 protein (p.Asp78Glu). This variant is not present in population databases (gnomAD no frequency). This variant has not been reported in the literature in individuals affected with OPHN1-related conditions. An algorithm developed to predict the effect of missense changes on protein structure and function (PolyPhen-2) suggests that this variant is likely to be disruptive. In summary, the available evidence is currently insufficient to determine the role of this variant in disease. Therefore, it has been classified as a Variant of Uncertain Significance.